The following is an entry in ClinVar:

NM_000222.3(KIT):c.888T>G (p.Phe296Leu)

Gene: KIT (KIT proto-oncogene, receptor tyrosine kinase; plus strand). Cytogenetic location: 4q12.
Variant type: single nucleotide variant.
Coding change: c.888T>G on transcript NM_000222.3 (MANE Select); coding-DNA position 888, T replaced by G.
Protein change: p.Phe296Leu; replaces phenylalanine 296 with leucine.
Molecular consequence: missense variant.
Genome position (GRCh38, 1-based): chr4:54,703,855, T>G. VCF-style: chr4-54703855-T-G. GRCh37 (hg19) VCF-style: chr4-55570021-T-G.
Other names: c.888T>G, p.Phe296Leu (NM_001093772.2, NM_001385285.1, NM_001385286.1); c.891T>G, p.Phe297Leu (NM_001385284.1, NM_001385288.1, NM_001385290.1 and 1 more transcripts); short protein forms F296L, F297L.
Identifiers: ClinVar variation 3649903 (VCV003649903.2).
Genomic context (GRCh38, chr4:54,703,855, plus strand): 5'-TATCAGTTCAGCGAGAGTTAATGATTCTGGAGTGTTCATGTGTTATGCCAATAATACTTT[T>G]GGATCAGCAAATGTCACAACAACCTTGGAAGTAGTAGGTAAATACCTCTATGGGAATGTT-3'
Protein context (NP_000213.1, residues 286-306): GVFMCYANNT[Phe296Leu]GSANVTTTLE

ClinVar aggregate classification (germline): Uncertain significance (1 of 4 stars; one submission).

Conditions:
Gastrointestinal stromal tumor. Also called: Gastrointestinal stromal tumor, somatic; Gastrointestinal stroma tumor. Identifiers: Orphanet 44890, MedGen C0238198, MeSH D046152, MONDO:0011719, OMIM 606764, HP:0100723.

Submission:

Labcorp Genetics (formerly Invitae), Labcorp
Classification: Uncertain significance for Gastrointestinal stromal tumor. Last evaluated: 2024-04-15. Review status: criteria provided, single submitter. Criteria: Invitae Variant Classification Sherloc (09022015). Collection method: clinical testing. Allele origin: germline.
Comment: This sequence change replaces phenylalanine, which is neutral and non-polar, with leucine, which is neutral and non-polar, at codon 296 of the KIT protein (p.Phe296Leu). This variant is not present in population databases (gnomAD no frequency). This variant has not been reported in the literature in individuals affected with KIT-related conditions. An algorithm developed to predict the effect of missense changes on protein structure and function (PolyPhen-2) suggests that this variant is likely to be tolerated. In summary, the available evidence is currently insufficient to determine the role of this variant in disease. Therefore, it has been classified as a Variant of Uncertain Significance.